The following is an entry in ClinVar:

NM_003356.4(UCP3):c.173A>G (p.Tyr58Cys)

Gene: UCP3 (uncoupling protein 3; minus strand). Cytogenetic location: 11q13.4.
Variant type: single nucleotide variant.
Coding change: c.173A>G on transcript NM_003356.4 (MANE Select); coding-DNA position 173, A replaced by G.
Protein change: p.Tyr58Cys; replaces tyrosine 58 with cysteine.
Molecular consequence: missense variant.
Genome position (GRCh38, 1-based): chr11:74,006,333, T>C on the plus strand (A>G on the coding strand, the complement: UCP3 is on the minus strand). VCF-style: chr11-74006333-T-C. GRCh37 (hg19) VCF-style: chr11-73717378-T-C.
Other names: c.173A>G (NM_003356.3); c.173A>G, p.Tyr58Cys (NM_022803.3); short protein forms Y58C.
Identifiers: ClinVar variation 1974212 (VCV001974212.6), dbSNP rs140595048, ClinGen allele CA224484848.

ClinVar aggregate classification (germline): Uncertain significance. Review status: criteria provided, multiple submitters, no conflicts (2 of 4 stars). 2 submissions from 2 submitters: Uncertain significance (2). Last evaluated 2025-10-06.

Conditions:
UCP3-related disorder. Also called: UCP3-related condition.

Allele frequency attached by ClinVar (database versions not stated): gnomAD exomes below 0.00001; ESP Exome Variant Server 0.00008.

Submissions (2):

PreventionGenetics, part of Exact Sciences
Classification: Uncertain significance for UCP3-related condition. Last evaluated: 2025-10-06. Review status: criteria provided, single submitter. Criteria: ACMG Guidelines, 2015. Collection method: clinical testing. Allele origin: germline.
Comment: The UCP3 c.173A>G variant is predicted to result in the amino acid substitution p.Tyr58Cys. To our knowledge, this variant has not been reported in the literature. This variant is reported in 0.0066% of alleles in individuals of African descent in gnomAD. At this time, the clinical significance of this variant is uncertain due to the absence of conclusive functional and genetic evidence.

Labcorp Genetics (formerly Invitae), Labcorp
Classification: Uncertain significance. Last evaluated: 2022-08-31. Review status: criteria provided, single submitter. Criteria: Invitae Variant Classification Sherloc (09022015). Collection method: clinical testing. Allele origin: germline.
Comment: In summary, the available evidence is currently insufficient to determine the role of this variant in disease. Therefore, it has been classified as a Variant of Uncertain Significance. Algorithms developed to predict the effect of missense changes on protein structure and function are either unavailable or do not agree on the potential impact of this missense change (SIFT: "Deleterious"; PolyPhen-2: "Probably Damaging"; Align-GVGD: "Class C0"). This variant has not been reported in the literature in individuals affected with UCP3-related conditions. This variant is not present in population databases (gnomAD no frequency). This sequence change replaces tyrosine, which is neutral and polar, with cysteine, which is neutral and slightly polar, at codon 58 of the UCP3 protein (p.Tyr58Cys).